The following is an entry in ClinVar:

ClinVar aggregate classification (germline): Pathogenic/Likely pathogenic. Review status: criteria provided, multiple submitters, no conflicts (2 of 4 stars). 4 submissions from 4 submitters: Pathogenic (2); Likely pathogenic (2). Last evaluated 2025-07-30.

Conditions:
Hereditary cancer-predisposing syndrome. Also called: Neoplastic Syndromes, Hereditary; Tumor predisposition; Hereditary Cancer Syndrome; Hereditary neoplastic syndrome. Identifiers: Orphanet 140162, MedGen C0027672, MeSH D009386, MONDO:0015356.
Juvenile polyposis syndrome (JPS). Identifiers: Orphanet 2929, MedGen C0345893, MONDO:0017380, OMIM 174900.

Submissions (4):

Ambry Genetics
Classification: Likely pathogenic for Hereditary cancer-predisposing syndrome. Last evaluated: 2025-07-30. Review status: criteria provided, single submitter. Criteria: Ambry Variant Classification Scheme 2023. Collection method: clinical testing. Allele origin: germline.
Comment: The p.Y5* variant (also known as c.15C>G), located in coding exon 1 of the BMPR1A gene, results from a C to G substitution at nucleotide position 15. This changes the amino acid from a tyrosine to a stop codon within coding exon 1. The predicted stop codon occurs in the 5&rsquo; end of theBMPR1A gene. Premature termination codons in the 5&rsquo; end of a gene have been reported to escape nonsense-mediated mRNAdecay and/or lead to re-initiation (Rivas et al. Science. 2015 May 8;348(6235):666-9; Lindeboom et al. Nat Genet. 2016 Oct;48(10):1112-8; Rhee et al. Sci Rep. 2017 May 10;7(1):1653). Direct evidence for this alteration is unavailable, however premature termination codons are typically deleterious in nature. This variant is considered to be rare based on population cohorts in the Genome Aggregation Database (gnomAD). Based on the majority of available evidence to date, this variant is likely to be pathogenic.

GeneDx
Classification: Pathogenic. Last evaluated: 2025-02-09. Review status: criteria provided, single submitter. Criteria: GeneDx Variant Classification Process June 2021. Collection method: clinical testing. Allele origin: germline. Affected: yes.
Comment: Nonsense variant predicted to result in protein truncation or nonsense mediated decay in a gene for which loss of function is a known mechanism of disease; Not observed at significant frequency in large population cohorts (gnomAD); Has not been previously published as pathogenic or benign to our knowledge

Quest Diagnostics Nichols Institute San Juan Capistrano
Classification: Likely pathogenic. Last evaluated: 2024-03-25. Review status: criteria provided, single submitter. Criteria: Quest Diagnostics criteria. Collection method: clinical testing. Allele origin: unknown.
Comment: The BMPR1A c.15C>G (p.Tyr5*) variant is predicted to cause the premature termination of BMPR1A protein synthesis. This variant has not been reported in individuals with BMPR1A-related conditions in the published literature. This variant has not been reported in large, multi-ethnic general populations (Genome Aggregation Database). Based on the available information, this variant is classified as likely pathogenic.

Labcorp Genetics (formerly Invitae), Labcorp
Classification: Pathogenic for Juvenile polyposis syndrome. Last evaluated: 2023-04-10. Review status: criteria provided, single submitter. Criteria: Invitae Variant Classification Sherloc (09022015). Collection method: clinical testing. Allele origin: germline.
Comment: This sequence change creates a premature translational stop signal (p.Tyr5*) in the BMPR1A gene. It is expected to result in an absent or disrupted protein product. Loss-of-function variants in BMPR1A are known to be pathogenic (PMID: 11536076, 12417513). This variant has not been reported in the literature in individuals affected with BMPR1A-related conditions. This variant is not present in population databases (gnomAD no frequency). For these reasons, this variant has been classified as Pathogenic.

Literature cited by the submitters: PubMed 11536076 (cited by Labcorp Genetics (formerly Invitae), Labcorp); PubMed 12417513 (cited by Labcorp Genetics (formerly Invitae), Labcorp).

NM_004329.3(BMPR1A):c.15C>G (p.Tyr5Ter)

Gene: BMPR1A (bone morphogenetic protein receptor type 1A; plus strand). Cytogenetic location: 10q23.2.
Variant type: single nucleotide variant.
Coding change: c.15C>G on transcript NM_004329.3 (MANE Select); coding-DNA position 15, C replaced by G.
Protein change: p.Tyr5Ter; replaces tyrosine 5 with a stop codon.
Molecular consequence: nonsense. On other transcripts: non-coding transcript variant (3), intron variant (4), 5 prime UTR variant (1).
Genome position (GRCh38, 1-based): chr10:86,876,033, C>G. VCF-style: chr10-86876033-C-G. GRCh37 (hg19) VCF-style: chr10-88635790-C-G.
Other names: c.15C>G, p.Tyr5Ter (NM_001406572.1, NM_001406573.1, NM_001406577.1 and 23 more transcripts); c.-17-14029C>G (NM_001406584.1, NM_001406587.1, NM_001406585.1); c.-12-14034C>G (NM_001406586.1); c.-65C>G (NM_001406588.1); short protein forms Y5*.
Identifiers: ClinVar variation 2834938 (VCV002834938.6), dbSNP rs1392086533, ClinGen allele CA377774769.